The following is an entry in ClinVar:

ClinVar aggregate classification (germline): Conflicting classifications of pathogenicity. Review status: criteria provided, conflicting classifications (1 of 4 stars). 6 submissions from 6 submitters: Uncertain significance (3); Likely benign (3). Last evaluated 2026-01-28.

Conditions:
Familial thoracic aortic aneurysm and aortic dissection (TAAD). Also called: Thoracic aortic aneurysms and dissections. Identifiers: Orphanet 91387, MedGen C4707243, MONDO:0019625.
Heterotopia, periventricular, X-linked dominant (PVNH1). Also called: PERIVENTRICULAR NODULAR HETEROTOPIA 1; X-linked periventricular heterotopia; PERIVENTRICULAR NODULAR HETEROTOPIA 4; HETEROTOPIA, PERIVENTRICULAR, 1. Identifiers: Orphanet 2149, Orphanet 82004, MedGen C1848213, MONDO:0010233, OMIM 300049.
Oto-palato-digital syndrome, type II (OPD2). Also called: FACIOPALATOOSSEOUS SYNDROME; OPD II SYNDROME; Otopalatodigital Syndrome Type 2 (FLNA-OPD2); Otopalatodigital Syndrome, Type II. Identifiers: Orphanet 669, Orphanet 90652, MedGen C1844696, MONDO:0010571, OMIM 304120.
Frontometaphyseal dysplasia (FMD1). Identifiers: Orphanet 1826, MedGen C0265293, MONDO:0015942.
Melnick-Needles syndrome (MNS). Also called: MELNICK-NEEDLES OSTEODYSPLASTY; OSTEODYSPLASTY OF MELNICK AND NEEDLES; Melnick-Needles Syndrome (FLNA-MNS). Identifiers: Orphanet 2484, MedGen C0025237, MONDO:0010650, OMIM 309350.

Allele frequency attached by ClinVar (database versions not stated): gnomAD 0.00003; TOPMed 0.00003; gnomAD exomes 0.00006 and 0.00014; ExAC 0.00012; ESP Exome Variant Server 0.00020.

Submissions (6):

Labcorp Genetics (formerly Invitae), Labcorp
Classification: Likely benign for Oto-palato-digital syndrome, type II; Heterotopia, periventricular, X-linked dominant; Frontometaphyseal dysplasia; Melnick-Needles syndrome. Last evaluated: 2026-01-28. Review status: criteria provided, single submitter. Criteria: Invitae Variant Classification Sherloc (09022015). Collection method: clinical testing. Allele origin: germline.

Ambry Genetics
Classification: Likely benign for Familial thoracic aortic aneurysm and aortic dissection. Last evaluated: 2024-04-06. Review status: criteria provided, single submitter. Criteria: Ambry Variant Classification Scheme 2023. Collection method: clinical testing. Allele origin: germline.

Mayo Clinic Laboratories, Mayo Clinic
Classification: Uncertain significance. Last evaluated: 2023-11-09. Review status: criteria provided, single submitter. Criteria: ACMG Guidelines, 2015. Collection method: clinical testing. Allele origin: germline. Observed: 1 variant allele.
Comment: PP2

ARUP Laboratories, Molecular Genetics and Genomics, ARUP Laboratories
Classification: Uncertain significance. Last evaluated: 2023-10-19. Review status: criteria provided, single submitter. Criteria: ARUP Molecular Germline Variant Investigation Process 2024. Collection method: clinical testing. Allele origin: germline.

GeneDx
Classification: Likely benign. Last evaluated: 2020-05-04. Review status: criteria provided, single submitter. Criteria: GeneDx Variant Classification Process June 2021. Collection method: clinical testing. Allele origin: germline. Affected: yes.

Eurofins Ntd Llc (ga)
Classification: Uncertain significance. Last evaluated: 2017-09-27. Review status: criteria provided, single submitter. Criteria: EGL Classification Definitions 2015. Collection method: clinical testing. Allele origin: germline. Observed: 1 variant allele, 1 hemizygote.

NM_001110556.2(FLNA):c.4106C>T (p.Thr1369Ile)

Gene: FLNA (filamin A; minus strand). Cytogenetic location: Xq28.
Variant type: single nucleotide variant.
Coding change: c.4106C>T on transcript NM_001110556.2 (MANE Select); coding-DNA position 4106, C replaced by T.
Protein change: p.Thr1369Ile; replaces threonine 1369 with isoleucine.
Molecular consequence: missense variant.
Genome position (GRCh38, 1-based): chrX:154,359,520, G>A on the plus strand (C>T on the coding strand, the complement: FLNA is on the minus strand). VCF-style: chrX-154359520-G-A. GRCh37 (hg19) VCF-style: chrX-153587888-G-A.
Other names: p.Thr1369Ile; c.4106C>T, p.Thr1369Ile (NM_001456.4); short protein forms T1369I.
Identifiers: ClinVar variation 464988 (VCV000464988.26), dbSNP rs376774130, ClinGen allele CA10560599.